The following is an entry in ClinVar:

NM_005458.8(GABBR2):c.1667G>A (p.Arg556Lys)

Gene: GABBR2 (gamma-aminobutyric acid type B receptor subunit 2; minus strand). Cytogenetic location: 9q22.33.
Variant type: single nucleotide variant.
Coding change: c.1667G>A on transcript NM_005458.8 (MANE Select); coding-DNA position 1667, G replaced by A.
Protein change: p.Arg556Lys; replaces arginine 556 with lysine.
Molecular consequence: missense variant.
Genome position (GRCh38, 1-based): chr9:98,371,567, C>T on the plus strand (G>A on the coding strand, the complement: GABBR2 is on the minus strand). VCF-style: chr9-98371567-C-T. GRCh37 (hg19) VCF-style: chr9-101133849-C-T.
Other names: short protein forms R556K.
Identifiers: ClinVar variation 2815120 (VCV002815120.3), dbSNP rs2491384383, ClinGen allele CA374208344.

ClinVar aggregate classification (germline): Uncertain significance (1 of 4 stars; one submission).

Conditions:
Epileptic encephalopathy. Identifiers: MedGen C0543888, HP:0200134.

Submission:

Labcorp Genetics (formerly Invitae), Labcorp
Classification: Uncertain significance for Epileptic encephalopathy. Last evaluated: 2024-03-31. Review status: criteria provided, single submitter. Criteria: Invitae Variant Classification Sherloc (09022015). Collection method: clinical testing. Allele origin: germline.
Comment: This sequence change replaces arginine, which is basic and polar, with lysine, which is basic and polar, at codon 556 of the GABBR2 protein (p.Arg556Lys). This variant is not present in population databases (gnomAD no frequency). This variant has not been reported in the literature in individuals affected with GABBR2-related conditions. Advanced modeling of protein sequence and biophysical properties (such as structural, functional, and spatial information, amino acid conservation, physicochemical variation, residue mobility, and thermodynamic stability) performed at Invitae indicates that this missense variant is not expected to disrupt GABBR2 protein function with a negative predictive value of 80%. In summary, the available evidence is currently insufficient to determine the role of this variant in disease. Therefore, it has been classified as a Variant of Uncertain Significance.